The following is an entry in ClinVar:

NM_198428.3(BBS9):c.2262G>T (p.Ala754=)

Gene: BBS9 (Bardet-Biedl syndrome 9; plus strand). Cytogenetic location: 7p14.3.
Variant type: single nucleotide variant.
Coding change: c.2262G>T on transcript NM_198428.3 (MANE Select); coding-DNA position 2262, G replaced by T.
Protein change: p.Ala754=; no amino-acid change (alanine 754 retained).
Molecular consequence: synonymous variant. On other transcripts: non-coding transcript variant (3), intron variant (1).
Genome position (GRCh38, 1-based): chr7:33,505,609, G>T. VCF-style: chr7-33505609-G-T. GRCh37 (hg19) VCF-style: chr7-33545221-G-T.
Other names: c.2157G>T, p.Ala719= (NM_001033604.2); c.2247G>T, p.Ala749= (NM_001033605.2); c.2262G>T, p.Ala754= (NM_001348036.1, NM_001348041.4, NM_001348043.3 and 1 more transcripts); c.1989G>T, p.Ala663= (NM_001348038.3); c.1884G>T, p.Ala628= (NM_001348039.3); c.2142G>T, p.Ala714= (NM_001348040.3, NM_014451.4); c.2127G>T, p.Ala709= (NM_001348042.3); c.1791G>T, p.Ala597= (NM_001348044.3); and 3 more.
Identifiers: ClinVar variation 3604959 (VCV003604959.3).
Genomic context (GRCh38, chr7:33,505,609, plus strand): 5'-GATTCTGCTGATCGCGCTGTGGCAGAAGCTTAGTGCTGACCAGGTTGCTATTCTGGAAGC[G>T]GCATTTCTGCCGCTACAAGAAGACACTCAAGAATTGGTAAGGACCTGAAAGCCTGTGGTG-3'
Protein context (NP_940820.1, residues 744-764): LSADQVAILE[Ala754=]AFLPLQEDTQ

ClinVar aggregate classification (germline): Likely benign. Review status: criteria provided, multiple submitters, no conflicts (2 of 4 stars). 2 submissions from 2 submitters: Likely benign (2). Last evaluated 2025-12-19.

Conditions:
BBS9-related disorder. Also called: BBS9-related condition.
Bardet-Biedl syndrome (BBS). Identifiers: Orphanet 110, MedGen C0752166, MONDO:0015229.

gnomAD v4.1: 7 of 1,613,786 alleles (0.00043%); highest among the groups gnomAD compares: Middle Eastern, 0.017%; no homozygotes.

Submissions (2):

PreventionGenetics, part of Exact Sciences
Classification: Likely benign for BBS9-related condition. Last evaluated: 2025-12-19. Review status: criteria provided, single submitter. Criteria: ACMG Guidelines, 2015. Collection method: clinical testing. Allele origin: germline.
Comment: This variant is classified as likely benign based on ACMG/AMP sequence variant interpretation guidelines (Richards et al. 2015 PMID: 25741868, with internal and published modifications).

Labcorp Genetics (formerly Invitae), Labcorp
Classification: Likely benign for Bardet-Biedl syndrome. Last evaluated: 2024-12-18. Review status: criteria provided, single submitter. Criteria: Invitae Variant Classification Sherloc (09022015). Collection method: clinical testing. Allele origin: germline.